The following is an entry in ClinVar:

NM_145045.5(ODAD3):c.1213_1215del (p.Glu405del)

Gene: ODAD3 (outer dynein arm docking complex subunit 3; minus strand). Cytogenetic location: 19p13.2.
Variant type: Deletion.
Coding change: c.1213_1215del on transcript NM_145045.5 (MANE Select); coding-DNA positions 1213 to 1215, 3 bases deleted (GAG; older notation c.1213_1215delGAG).
Protein change: p.Glu405del; deletes glutamic acid 405.
Molecular consequence: inframe deletion.
Genome position (GRCh38, 1-based): chr19:11,422,763-11,422,765, CTC deleted on the plus strand (GAG on the coding strand, the reverse complement: ODAD3 is on the minus strand); deleting any 3 consecutive bases within chr19:11,422,763-11,422,767 gives the same sequence; the c. name uses the placement nearest the transcript's 3' end. VCF-style (leftmost placement, unchanged base first): chr19-11422762-TCTC-T. GRCh37 (hg19) VCF-style: chr19-11533430-TCTC-T.
Other names: c.1051_1053del, p.Glu351del (NM_001302453.1); c.1033_1035del, p.Glu345del (NM_001302454.2); short protein forms E351del, E405del, E345del.
Identifiers: ClinVar variation 1040236 (VCV001040236.7), dbSNP rs765121016, ClinGen allele CA9212083.

ClinVar aggregate classification (germline): Uncertain significance. Review status: criteria provided, multiple submitters, no conflicts (2 of 4 stars). 2 submissions from 2 submitters: Uncertain significance (2). Last evaluated 2022-01-26.

Conditions:
Primary ciliary dyskinesia 30. Also called: CILIARY DYSKINESIA, PRIMARY, 30, WITH OR WITHOUT SITUS INVERSUS. Identifiers: Orphanet 244, MedGen C4015016, MONDO:0014465, OMIM 616037.

Submissions (2):

Labcorp Genetics (formerly Invitae), Labcorp
Classification: Uncertain significance for Primary ciliary dyskinesia 30. Last evaluated: 2022-01-26. Review status: criteria provided, single submitter. Criteria: Invitae Variant Classification Sherloc (09022015). Collection method: clinical testing. Allele origin: germline.
Comment: This variant, c.1213_1215del, results in the deletion of 1 amino acid(s) of the CCDC151 protein (p.Glu405del), but otherwise preserves the integrity of the reading frame. This variant is present in population databases (rs765121016, gnomAD 0.01%). This variant has been observed in individual(s) with CCDC151-related conditions (PMID: 32111882). ClinVar contains an entry for this variant (Variation ID: 1040236). Experimental studies and prediction algorithms are not available or were not evaluated, and the functional significance of this variant is currently unknown. In summary, the available evidence is currently insufficient to determine the role of this variant in disease. Therefore, it has been classified as a Variant of Uncertain Significance.

Blueprint Genetics
Classification: Uncertain significance. Last evaluated: 2019-04-10. Review status: criteria provided, single submitter. Criteria: ACMG Guidelines, 2015. Collection method: clinical testing. Allele origin: germline.

Literature cited by the submitters: PubMed 32111882 (cited by Labcorp Genetics (formerly Invitae), Labcorp).